The following is an entry in ClinVar:

ClinVar aggregate classification (germline): Benign (1 of 4 stars; one submission).

Allele frequency attached by ClinVar (database versions not stated): 1000 Genomes Project 30x 0.96986; 1000 Genomes Project 0.97145; TOPMed 0.97161; gnomAD 0.97305 and 0.97442.
gnomAD v4.1: 148,393 of 152,244 alleles (97%); highest among the groups gnomAD compares: East Asian, 100%; 72,421 homozygotes.

Submission:

GeneDx
Classification: Benign. Last evaluated: 2018-06-14. Review status: criteria provided, single submitter. Criteria: GeneDx Variant Classification (06012015). Collection method: clinical testing. Allele origin: germline. Affected: yes.
Comment: This variant is considered likely benign or benign based on one or more of the following criteria: it is a conservative change, it occurs at a poorly conserved position in the protein, it is predicted to be benign by multiple in silico algorithms, and/or has population frequency not consistent with disease.

NM_007373.4(SHOC2):c.972+241A>G

Gene: SHOC2 (SHOC2 leucine rich repeat scaffold protein; plus strand). Cytogenetic location: 10q25.2.
Variant type: single nucleotide variant.
Coding change: c.972+241A>G on transcript NM_007373.4 (MANE Select); 241 bases into the intron after coding-DNA position 972, A replaced by G.
Molecular consequence: intron variant.
Genome position (GRCh38, 1-based): chr10:111,000,786, A>G. VCF-style: chr10-111000786-A-G. GRCh37 (hg19) VCF-style: chr10-112760544-A-G.
Other names: c.972+241A>G (NM_001324336.2, NM_001324337.2); c.834+241A>G (NM_001269039.3).
Identifiers: ClinVar variation 561589 (VCV000561589.1), dbSNP rs4918616, ClinGen allele CA213913742.
Genomic context (GRCh38, chr10:111,000,786, plus strand): 5'-AACCTATTAAGTTTTATGATTATTATTTTTTTAATGTAAAGAAAAAGGGAAAAACTAGGA[A>G]GAAAGTAAGTGTGCTGTATTCTACTTTAGCACCATGTAAATCTTTCTCATTTCATTTTGG-3'